The following is an entry in ClinVar:

NM_001131016.2(CIZ1):c.1227C>A (p.Pro409=)

Gene: CIZ1 (CDKN1A interacting zinc finger protein 1; minus strand). Cytogenetic location: 9q34.11.
Variant type: single nucleotide variant.
Coding change: c.1227C>A on transcript NM_001131016.2 (MANE Select); coding-DNA position 1227, C replaced by A.
Protein change: p.Pro409=; no amino-acid change (proline 409 retained).
Molecular consequence: synonymous variant. On other transcripts: intron variant (3).
Genome position (GRCh38, 1-based): chr9:128,178,980, G>T on the plus strand (C>A on the coding strand, the complement: CIZ1 is on the minus strand). VCF-style: chr9-128178980-G-T. GRCh37 (hg19) VCF-style: chr9-130941259-G-T.
Other names: c.1317C>A, p.Pro439= (NM_001257975.2); c.924C>A, p.Pro308= (NM_001257976.2); c.1227C>A, p.Pro409= (NM_012127.3); c.1135-76C>A (NM_001131015.2); c.1063-76C>A (NM_001131018.2); c.1120-76C>A (NM_001131017.2).
Identifiers: ClinVar variation 413831 (VCV000413831.15), dbSNP rs45559035, ClinGen allele CA5257351.

ClinVar aggregate classification (germline): Benign. Review status: criteria provided, multiple submitters, no conflicts (2 of 4 stars). 4 submissions from 4 submitters: Benign (3). 1 of the submissions does not count toward it. Last evaluated 2026-02-02.

Conditions:
CIZ1-related disorder. Also called: CIZ1-related condition.
Dystonic disorder. Also called: Dystonia. Identifiers: MedGen C0013421, MONDO:0003441, HP:0001332.

Allele frequency attached by ClinVar (database versions not stated): ExAC 0.01596; 1000 Genomes Project 30x 0.02717; 1000 Genomes Project 0.02776; TOPMed 0.00452; gnomAD 0.00561 and 0.00788.
gnomAD v4.1: 11,519 of 1,613,508 alleles (0.71%); highest among the groups gnomAD compares: East Asian, 10%; 394 homozygotes.

Submissions (4):

Labcorp Genetics (formerly Invitae), Labcorp
Classification: Benign for Dystonic disorder. Last evaluated: 2026-02-02. Review status: criteria provided, single submitter. Criteria: Invitae Variant Classification Sherloc (09022015). Collection method: clinical testing. Allele origin: germline.

GeneDx
Classification: Benign. Last evaluated: 2018-07-09. Review status: criteria provided, single submitter. Criteria: GeneDx Variant Classification Process June 2021. Collection method: clinical testing. Allele origin: germline. Affected: yes.

Breakthrough Genomics
Classification: Benign. Review status: criteria provided, single submitter. Criteria: ACMG Guidelines, 2015. Collection method: not provided. Allele origin: germline. Inheritance: Unknown mechanism. Affected: yes.

PreventionGenetics, part of Exact Sciences
Classification: Benign for CIZ1-related condition. Last evaluated: 2019-05-16. Review status: no assertion criteria provided. Collection method: clinical testing. Allele origin: germline. Not counted in ClinVar's aggregate classification.
Comment: This variant is classified as benign based on ACMG/AMP sequence variant interpretation guidelines (Richards et al. 2015 PMID: 25741868, with internal and published modifications).